The following is an entry in ClinVar:

ClinVar aggregate classification (germline): Conflicting classifications of pathogenicity. Review status: criteria provided, conflicting classifications (1 of 4 stars). 2 submissions from 2 submitters: Uncertain significance (1); Likely benign (1). Last evaluated 2024-12-01.

Conditions:
Inborn genetic diseases. Identifiers: MedGen C0950123, MeSH D030342.

Allele frequency attached by ClinVar (database versions not stated): ExAC 0.00015; 1000 Genomes Project 30x 0.00016; gnomAD 0.00016; gnomAD exomes 0.00018; TOPMed 0.00018; 1000 Genomes Project 0.00020; ESP Exome Variant Server 0.00040.
gnomAD v4.1: 284 of 1,614,044 alleles (0.018%); highest among the groups gnomAD compares: Non-Finnish European, 0.022%; no homozygotes.

Submissions (2):

CeGaT Center for Human Genetics Tuebingen
Classification: Likely benign. Last evaluated: 2024-12-01. Review status: criteria provided, single submitter. Criteria: CeGaT Center For Human Genetics Tuebingen Variant Classification Criteria Version 2. Collection method: clinical testing. Allele origin: germline. Affected: yes. Observed: 1 variant allele.
Comment: KDM2B: BP4

Ambry Genetics
Classification: Uncertain significance for Inborn genetic diseases. Last evaluated: 2023-04-12. Review status: criteria provided, single submitter. Criteria: Ambry Variant Classification Scheme 2023. Collection method: clinical testing. Allele origin: germline.

NM_032590.5(KDM2B):c.1397T>C (p.Leu466Pro)

Gene: KDM2B (lysine demethylase 2B; minus strand). Cytogenetic location: 12q24.31.
Variant type: single nucleotide variant.
Coding change: c.1397T>C on transcript NM_032590.5 (MANE Select); coding-DNA position 1397, T replaced by C.
Protein change: p.Leu466Pro; replaces leucine 466 with proline.
Molecular consequence: missense variant.
Genome position (GRCh38, 1-based): chr12:121,509,817, A>G on the plus strand (T>C on the coding strand, the complement: KDM2B is on the minus strand). VCF-style: chr12-121509817-A-G. GRCh37 (hg19) VCF-style: chr12-121947620-A-G.
Other names: c.1304T>C, p.Leu435Pro (NM_001005366.2); short protein forms L435P, L466P.
Identifiers: ClinVar variation 2508361 (VCV002508361.15), dbSNP rs200000039, ClinGen allele CA6836924.